The following is an entry in ClinVar:

NM_001164508.2(NEB):c.22273G>T (p.Val7425Phe)

Genes: NEB (nebulin; minus strand), RIF1 (replication timing regulatory factor 1; plus strand). Cytogenetic location: 2q23.3.
Variant type: single nucleotide variant.
Coding change: c.22273G>T on transcript NM_001164508.2 (MANE Select); coding-DNA position 22273, G replaced by T.
Protein change: p.Val7425Phe; replaces valine 7425 with phenylalanine.
Molecular consequence: missense variant.
Genome position (GRCh38, 1-based): chr2:151,524,616, C>A on the plus strand (G>T on the coding strand, the complement: NEB is on the minus strand). VCF-style: chr2-151524616-C-A. GRCh37 (hg19) VCF-style: chr2-152381130-C-A.
Other names: c.22273G>T, p.Val7425Phe (NM_001164507.2); c.22378G>T, p.Val7460Phe (NM_001271208.2); c.17170G>T, p.Val5724Phe (NM_004543.5); short protein forms V5724F, V7425F, V7460F.
Identifiers: ClinVar variation 859094 (VCV000859094.9), dbSNP rs752028559, ClinGen allele CA348765196.

ClinVar aggregate classification (germline): Uncertain significance (1 of 4 stars; one submission).

Conditions:
Nemaline myopathy 2 (NEM2). Also called: Nemaline myopathy 2, autosomal recessive. Identifiers: MedGen C1850569, MONDO:0009725, OMIM 256030.

Submission:

Labcorp Genetics (formerly Invitae), Labcorp
Classification: Uncertain significance for Nemaline myopathy 2. Last evaluated: 2019-12-06. Review status: criteria provided, single submitter. Criteria: Invitae Variant Classification Sherloc (09022015). Collection method: clinical testing. Allele origin: germline.
Comment: This variant has not been reported in the literature in individuals with NEB-related conditions. In summary, the available evidence is currently insufficient to determine the role of this variant in disease. Therefore, it has been classified as a Variant of Uncertain Significance. Algorithms developed to predict the effect of sequence changes on RNA splicing suggest that this variant may disrupt the consensus splice site, but this prediction has not been confirmed by published transcriptional studies. Algorithms developed to predict the effect of missense changes on protein structure and function are either unavailable or do not agree on the potential impact of this missense change (SIFT: "Deleterious"; PolyPhen-2: "Not Available"; Align-GVGD: "Class C0"). This variant is not present in population databases (ExAC no frequency). This sequence change replaces valine with phenylalanine at codon 7460 of the NEB protein (p.Val7460Phe). The valine residue is moderately conserved and there is a small physicochemical difference between valine and phenylalanine.